The following is an entry in ClinVar:

NM_001378452.1(ITPR1):c.451T>C (p.Leu151=)

Gene: ITPR1 (inositol 1,4,5-trisphosphate receptor type 1; plus strand). Cytogenetic location: 3p26.1.
Variant type: single nucleotide variant.
Coding change: c.451T>C on transcript NM_001378452.1 (MANE Select); coding-DNA position 451, T replaced by C.
Protein change: p.Leu151=; no amino-acid change (leucine 151 retained).
Molecular consequence: synonymous variant.
Genome position (GRCh38, 1-based): chr3:4,642,177, T>C. VCF-style: chr3-4642177-T-C. GRCh37 (hg19) VCF-style: chr3-4683861-T-C.
Other names: c.451T>C, p.Leu151= (NM_001099952.4, NM_001168272.2, NM_002222.7).
Identifiers: ClinVar variation 3239358 (VCV003239358.19), dbSNP rs2093352919.

ClinVar aggregate classification (germline): Likely benign (1 of 4 stars; one submission).

Allele frequency attached by ClinVar (database versions not stated): gnomAD exomes below 0.00001; TOPMed below 0.00001.
gnomAD v4.1: 7 of 1,610,090 alleles (0.00043%); highest among the groups gnomAD compares: Non-Finnish European, 0.00042%; no homozygotes.

Submission:

CeGaT Center for Human Genetics Tuebingen
Classification: Likely benign. Last evaluated: 2024-05-01. Review status: criteria provided, single submitter. Criteria: CeGaT Center For Human Genetics Tuebingen Variant Classification Criteria Version 2. Collection method: clinical testing. Allele origin: germline. Affected: yes. Observed: 1 variant allele.
Comment: ITPR1: PM2:Supporting, BP4, BP7